The following is an entry in ClinVar:

NM_015231.3(NUP160):c.1479C>G (p.Phe493Leu)

Gene: NUP160 (nucleoporin 160; minus strand). Cytogenetic location: 11p11.2.
Variant type: single nucleotide variant.
Coding change: c.1479C>G on transcript NM_015231.3 (MANE Select); coding-DNA position 1479, C replaced by G.
Protein change: p.Phe493Leu; replaces phenylalanine 493 with leucine.
Molecular consequence: missense variant. On other transcripts: non-coding transcript variant (1).
Genome position (GRCh38, 1-based): chr11:47,815,584, G>C on the plus strand (C>G on the coding strand, the complement: NUP160 is on the minus strand). VCF-style: chr11-47815584-G-C. GRCh37 (hg19) VCF-style: chr11-47837136-G-C.
Other names: short protein forms F493L.
Identifiers: ClinVar variation 2055524 (VCV002055524.4), dbSNP rs759088901, ClinGen allele CA5981268.

ClinVar aggregate classification (germline): Uncertain significance. Review status: criteria provided, multiple submitters, no conflicts (2 of 4 stars). 2 submissions from 2 submitters: Uncertain significance (2). Last evaluated 2024-12-12.

Allele frequency attached by ClinVar (database versions not stated): gnomAD exomes below 0.00001; TOPMed 0.00002; ExAC 0.00003; gnomAD 0.00007.
gnomAD v4.1: 32 of 1,612,926 alleles (0.002%); highest among the groups gnomAD compares: Admixed American, 0.017%; 1 homozygote.

Submissions (2):

Labcorp Genetics (formerly Invitae), Labcorp
Classification: Uncertain significance. Last evaluated: 2024-12-12. Review status: criteria provided, single submitter. Criteria: Invitae Variant Classification Sherloc (09022015). Collection method: clinical testing. Allele origin: germline.
Comment: This sequence change replaces phenylalanine, which is neutral and non-polar, with leucine, which is neutral and non-polar, at codon 527 of the NUP160 protein (p.Phe527Leu). This variant is present in population databases (rs759088901, gnomAD no frequency). This variant has not been reported in the literature in individuals affected with NUP160-related conditions. ClinVar contains an entry for this variant (Variation ID: 2055524). An algorithm developed to predict the effect of missense changes on protein structure and function (PolyPhen-2) suggests that this variant is likely to be disruptive. In summary, the available evidence is currently insufficient to determine the role of this variant in disease. Therefore, it has been classified as a Variant of Uncertain Significance.

Ambry Genetics
Classification: Uncertain significance. Last evaluated: 2021-08-12. Review status: criteria provided, single submitter. Criteria: Ambry Variant Classification Scheme 2023. Collection method: clinical testing. Allele origin: germline.